The following is an entry in ClinVar:

NM_025150.5(TARS2):c.159G>A (p.Met53Ile)

Gene: TARS2 (threonyl-tRNA synthetase 2, mitochondrial; plus strand). Cytogenetic location: 1q21.2.
Variant type: single nucleotide variant.
Coding change: c.159G>A on transcript NM_025150.5 (MANE Select); coding-DNA position 159, G replaced by A.
Protein change: p.Met53Ile; replaces methionine 53 with isoleucine.
Molecular consequence: missense variant. On other transcripts: non-coding transcript variant (2).
Genome position (GRCh38, 1-based): chr1:150,487,950, G>A. VCF-style: chr1-150487950-G-A. GRCh37 (hg19) VCF-style: chr1-150460426-G-A.
Other names: c.159G>A, p.Met53Ile (NM_001271895.2, NM_001271896.2); short protein forms M53I.
Identifiers: ClinVar variation 2058561 (VCV002058561.4), dbSNP rs754955081, ClinGen allele CA1076595.

ClinVar aggregate classification (germline): Conflicting classifications of pathogenicity. Review status: criteria provided, conflicting classifications (1 of 4 stars). 2 submissions from 2 submitters: Uncertain significance (1); Likely benign (1). Last evaluated 2024-10-22.

Conditions:
Inborn genetic diseases. Identifiers: MedGen C0950123, MeSH D030342.

Allele frequency attached by ClinVar (database versions not stated): gnomAD 0.00002; gnomAD exomes 0.00001; TOPMed 0.00003; ExAC 0.00001.
gnomAD v4.1: 23 of 1,613,926 alleles (0.0014%); highest among the groups gnomAD compares: Admixed American, 0.013%; no homozygotes.

Submissions (2):

Labcorp Genetics (formerly Invitae), Labcorp
Classification: Uncertain significance. Last evaluated: 2024-10-22. Review status: criteria provided, single submitter. Criteria: Invitae Variant Classification Sherloc (09022015). Collection method: clinical testing. Allele origin: germline.
Comment: This sequence change replaces methionine, which is neutral and non-polar, with isoleucine, which is neutral and non-polar, at codon 53 of the TARS2 protein (p.Met53Ile). This variant is present in population databases (rs754955081, gnomAD 0.02%). This variant has not been reported in the literature in individuals affected with TARS2-related conditions. ClinVar contains an entry for this variant (Variation ID: 2058561). An algorithm developed to predict the effect of missense changes on protein structure and function outputs the following: PolyPhen-2: "Benign". The isoleucine amino acid residue is found in multiple mammalian species, which suggests that this missense change does not adversely affect protein function. In summary, the available evidence is currently insufficient to determine the role of this variant in disease. Therefore, it has been classified as a Variant of Uncertain Significance.

Ambry Genetics
Classification: Likely benign for Inborn genetic diseases. Last evaluated: 2021-08-10. Review status: criteria provided, single submitter. Criteria: Ambry Variant Classification Scheme 2023. Collection method: clinical testing. Allele origin: germline.